The following is an entry in ClinVar:

NM_198253.3(TERT):c.446T>A (p.Leu149Gln)

Gene: TERT (telomerase reverse transcriptase; minus strand). Cytogenetic location: 5p15.33.
Variant type: single nucleotide variant.
Coding change: c.446T>A on transcript NM_198253.3 (MANE Select); coding-DNA position 446, T replaced by A.
Protein change: p.Leu149Gln; replaces leucine 149 with glutamine.
Molecular consequence: missense variant. On other transcripts: non-coding transcript variant (2).
Genome position (GRCh38, 1-based): chr5:1,294,440, A>T on the plus strand (T>A on the coding strand, the complement: TERT is on the minus strand). VCF-style: chr5-1294440-A-T. GRCh37 (hg19) VCF-style: chr5-1294555-A-T.
Other names: p.Leu149Gln; c.446T>A, p.Leu149Gln (NM_001193376.3); short protein forms L149Q.
Identifiers: ClinVar variation 1695957 (VCV001695957.1), dbSNP rs2478427484, ClinGen allele CA359058016.

ClinVar aggregate classification (germline): Likely risk allele (0 of 4 stars; one submission).

Conditions:
Pulmonary fibrosis. Identifiers: MedGen C0034069, MONDO:0002771, HP:0002206.

Submission:

Garcia Pulmonary Genetics Research Laboratory, Columbia University Irving Medical Center
Classification: Likely risk allele for Pulmonary fibrosis. Last evaluated: 2022-06-09. Review status: no assertion criteria provided. Collection method: research. Allele origin: germline. Affected: yes.
Comment: Leukocyte telomere length (by qPCR) less than 10th percentile age-adjusted